The following is an entry in ClinVar:

NM_000088.4(COL1A1):c.4241G>T (p.Gly1414Val)

Gene: COL1A1 (collagen type I alpha 1 chain; minus strand). Cytogenetic location: 17q21.33.
Variant type: single nucleotide variant.
Coding change: c.4241G>T on transcript NM_000088.4 (MANE Select); coding-DNA position 4241, G replaced by T.
Protein change: p.Gly1414Val; replaces glycine 1414 with valine.
Molecular consequence: missense variant.
Genome position (GRCh38, 1-based): chr17:50,185,785, C>A on the plus strand (G>T on the coding strand, the complement: COL1A1 is on the minus strand). VCF-style: chr17-50185785-C-A. GRCh37 (hg19) VCF-style: chr17-48263146-C-A.
Other names: short protein forms G1414V.
Identifiers: ClinVar variation 2102741 (VCV002102741.4), dbSNP rs1361759220, ClinGen allele CA400191199.
Genomic context (GRCh38, chr17:50,185,785, plus strand): 5'-AAAAGCCCAAGGCCGGAGAGGTGGGGCCCTGCCTGGGGATTCTGGGCACTCACCGTGCAG[C>A]CATCGACAGTGACGCTGTAGGTGAAGCGGCTGTTGCCCTCGGCGCGGATCTCGATCTCGT-3'
Protein context (NP_000079.2, residues 1404-1424): SRFTYSVTVD[Gly1414Val]CTSHTGAWGK

ClinVar aggregate classification (germline): Uncertain significance (1 of 4 stars; one submission).

Conditions:
Osteogenesis imperfecta type I (OI1). Also called: Lobstein disease; OI, TYPE I; OSTEOGENESIS IMPERFECTA TARDA; OSTEOGENESIS IMPERFECTA WITH BLUE SCLERAE; Osteogenesis imperfecta type 1; Classic Non-deforming Osteogenesis Imperfecta with Blue Sclerae. Identifiers: Orphanet 216796, Orphanet 666, MedGen C0023931, MONDO:0008146, OMIM 166200. Disease mechanism: loss of function.

Submission:

Labcorp Genetics (formerly Invitae), Labcorp
Classification: Uncertain significance for Osteogenesis imperfecta type I. Last evaluated: 2022-02-23. Review status: criteria provided, single submitter. Criteria: Invitae Variant Classification Sherloc (09022015). Collection method: clinical testing. Allele origin: germline.
Comment: This sequence change replaces glycine, which is neutral and non-polar, with valine, which is neutral and non-polar, at codon 1414 of the COL1A1 protein (p.Gly1414Val). This variant is not present in population databases (gnomAD no frequency). This variant has not been reported in the literature in individuals affected with COL1A1-related conditions. Algorithms developed to predict the effect of missense changes on protein structure and function are either unavailable or do not agree on the potential impact of this missense change (SIFT: "Deleterious"; PolyPhen-2: "Not Available"; Align-GVGD: "Class C0"). In summary, the available evidence is currently insufficient to determine the role of this variant in disease. Therefore, it has been classified as a Variant of Uncertain Significance.